The following is an entry in ClinVar:

ClinVar aggregate classification (germline): Likely benign. Review status: criteria provided, multiple submitters, no conflicts (2 of 4 stars). 3 submissions from 3 submitters: Likely benign (2). 1 of the submissions does not count toward it. Last evaluated 2026-07-01.

Conditions:
INTS1-related disorder. Also called: INTS1-related condition.

Allele frequency attached by ClinVar (database versions not stated): 1000 Genomes Project 30x 0.00016; ESP Exome Variant Server 0.00040; TOPMed 0.00059; gnomAD exomes 0.00079; gnomAD 0.00137; ExAC 0.00210.
gnomAD v4.1: 1,368 of 1,579,288 alleles (0.087%); highest among the groups gnomAD compares: Non-Finnish European, 0.058%; 4 homozygotes.

Submissions (3):

CeGaT Center for Human Genetics Tuebingen
Classification: Likely benign. Last evaluated: 2026-07-01. Review status: criteria provided, single submitter. Criteria: CeGaT Center For Human Genetics Tuebingen Variant Classification Criteria Version 2. Collection method: clinical testing. Allele origin: germline. Affected: yes. Observed: 10 variant alleles.
Comment: INTS1: BP4, BP7

Blueprint Genetics
Classification: Likely benign. Last evaluated: 2024-11-26. Review status: criteria provided, single submitter. Criteria: ACMG Guidelines, 2015. Collection method: clinical testing. Allele origin: germline.

PreventionGenetics, part of Exact Sciences
Classification: Likely benign for INTS1-related condition. Last evaluated: 2019-03-08. Review status: no assertion criteria provided. Collection method: clinical testing. Allele origin: germline. Not counted in ClinVar's aggregate classification.
Comment: This variant is classified as likely benign based on ACMG/AMP sequence variant interpretation guidelines (Richards et al. 2015 PMID: 25741868, with internal and published modifications).

NM_001080453.3(INTS1):c.4291C>T (p.Leu1431=)

Gene: INTS1 (integrator complex subunit 1; minus strand). Cytogenetic location: 7p22.3.
Variant type: single nucleotide variant.
Coding change: c.4291C>T on transcript NM_001080453.3 (MANE Select); coding-DNA position 4291, C replaced by T.
Protein change: p.Leu1431=; no amino-acid change (leucine 1431 retained).
Molecular consequence: synonymous variant.
Genome position (GRCh38, 1-based): chr7:1,479,468, G>A on the plus strand (C>T on the coding strand, the complement: INTS1 is on the minus strand). VCF-style: chr7-1479468-G-A. GRCh37 (hg19) VCF-style: chr7-1519104-G-A.
Other names: c.808C>T, p.Leu270= (NM_015674.1); c.4291C>T (NM_001080453.2).
Identifiers: ClinVar variation 2657190 (VCV002657190.26), dbSNP rs370186628, ClinGen allele CA4118926.